The following is an entry in ClinVar:

ClinVar aggregate classification (germline): Conflicting classifications of pathogenicity. Review status: criteria provided, conflicting classifications (1 of 4 stars). 5 submissions from 5 submitters: Uncertain significance (1); Benign (1); Likely benign (1). 2 of the submissions do not count toward it. Last evaluated 2026-04-01.

Conditions:
Long QT syndrome (LQTS). Identifiers: MedGen C0023976, MeSH D008133, MONDO:0002442. Disease mechanism: loss of function. Inheritance: Various modes of inheritance.
Cardiovascular phenotype. Identifiers: MedGen CN230736.

Allele frequency attached by ClinVar (database versions not stated): ExAC 0.00004; gnomAD exomes 0.00004 and 0.00011; TOPMed 0.00005; ESP Exome Variant Server 0.00008; gnomAD 0.00008 and 0.00009.
gnomAD v4.1: 173 of 1,613,656 alleles (0.011%); highest among the groups gnomAD compares: Non-Finnish European, 0.014%; no homozygotes.

Submissions (5):

CeGaT Center for Human Genetics Tuebingen
Classification: Likely benign. Last evaluated: 2026-04-01. Review status: criteria provided, single submitter. Criteria: CeGaT Center For Human Genetics Tuebingen Variant Classification Criteria Version 2. Collection method: clinical testing. Allele origin: germline. Affected: yes. Observed: 1 variant allele.
Comment: AKAP9: BP4

Labcorp Genetics (formerly Invitae), Labcorp
Classification: Uncertain significance for Long QT syndrome. Last evaluated: 2025-06-01. Review status: criteria provided, single submitter. Criteria: Invitae Variant Classification Sherloc (09022015). Collection method: clinical testing. Allele origin: germline.
Comment: This sequence change replaces arginine, which is basic and polar, with glutamine, which is neutral and polar, at codon 466 of the AKAP9 protein (p.Arg466Gln). This variant is present in population databases (rs200034525, gnomAD 0.01%). This variant has not been reported in the literature in individuals affected with AKAP9-related conditions. ClinVar contains an entry for this variant (Variation ID: 1299956). An algorithm developed to predict the effect of missense changes on protein structure and function outputs the following: PolyPhen-2: "Benign". The glutamine amino acid residue is found in multiple mammalian species, which suggests that this missense change does not adversely affect protein function. In summary, the available evidence is currently insufficient to determine the role of this variant in disease. Therefore, it has been classified as a Variant of Uncertain Significance.

Ambry Genetics
Classification: Benign for Cardiovascular phenotype. Last evaluated: 2024-12-19. Review status: criteria provided, single submitter. Criteria: Ambry Variant Classification Scheme 2023. Collection method: clinical testing. Allele origin: germline.

Clinical Genetics, Academic Medical Center
Classification: Likely benign. Review status: no assertion criteria provided. Collection method: clinical testing. Allele origin: germline. Affected: yes. Study: VKGL Data-share Consensus. Not counted in ClinVar's aggregate classification.

Joint Genome Diagnostic Labs from Nijmegen and Maastricht, Radboudumc and MUMC+
Classification: Likely benign. Review status: no assertion criteria provided. Collection method: clinical testing. Allele origin: germline. Affected: yes. Study: VKGL Data-share Consensus. Not counted in ClinVar's aggregate classification.

NM_005751.5(AKAP9):c.1397G>A (p.Arg466Gln)

Gene: AKAP9 (A-kinase anchoring protein 9; plus strand). Cytogenetic location: 7q21.2.
Variant type: single nucleotide variant.
Coding change: c.1397G>A on transcript NM_005751.5 (MANE Select); coding-DNA position 1397, G replaced by A.
Protein change: p.Arg466Gln; replaces arginine 466 with glutamine.
Molecular consequence: missense variant.
Genome position (GRCh38, 1-based): chr7:92,001,314, G>A. VCF-style: chr7-92001314-G-A. GRCh37 (hg19) VCF-style: chr7-91630628-G-A.
Other names: c.1397G>A (NM_005751.4); c.1397G>A, p.Arg466Gln (NM_147185.3); short protein forms R466Q.
Identifiers: ClinVar variation 1299956 (VCV001299956.11), dbSNP rs200034525, ClinGen allele CA4336007.